The following is an entry in ClinVar:

ClinVar aggregate classification (germline): Likely benign (1 of 4 stars; one submission).

gnomAD v4.1: 5 of 717,364 alleles (0.0007%); highest among the groups gnomAD compares: Middle Eastern, 0.023%; no homozygotes.

Submission:

CeGaT Center for Human Genetics Tuebingen
Classification: Likely benign. Last evaluated: 2026-04-01. Review status: criteria provided, single submitter. Criteria: CeGaT Center For Human Genetics Tuebingen Variant Classification Criteria Version 2. Collection method: clinical testing. Allele origin: germline. Affected: yes. Observed: 1 variant allele.
Comment: LRRC53: BP4, BP7

NM_001382280.1(LRRC53):c.591G>A (p.Pro197=)

Genes: FPGT-TNNI3K (FPGT-TNNI3K readthrough; plus strand), LRRC53 (leucine rich repeat containing 53; minus strand), TNNI3K (TNNI3 interacting kinase; plus strand). Cytogenetic location: 1p31.1.
Variant type: single nucleotide variant.
Coding change: c.591G>A on transcript NM_001382280.1 (MANE Select); coding-DNA position 591, G replaced by A.
Protein change: p.Pro197=; no amino-acid change (proline 197 retained).
Molecular consequence: synonymous variant. On other transcripts: intron variant (2).
Genome position (GRCh38, 1-based): chr1:74,480,466, C>T on the plus strand (G>A on the coding strand, the complement: LRRC53 is on the minus strand). VCF-style: chr1-74480466-C-T. GRCh37 (hg19) VCF-style: chr1-74946150-C-T.
Other names: c.495G>A, p.Pro165= (NM_001364666.2); c.2425-8723C>T (NM_001112808.3); c.2122-8723C>T (NM_015978.3).
Identifiers: ClinVar variation 4872975 (VCV004872975.2).